The following is an entry in ClinVar:

ClinVar aggregate classification (germline): Uncertain significance. Review status: criteria provided, multiple submitters, no conflicts (2 of 4 stars). 2 submissions from 2 submitters: Uncertain significance (2). Last evaluated 2026-02-13.

Conditions:
Cardiovascular phenotype. Identifiers: MedGen CN230736.

gnomAD v4.1: 15 of 1,613,644 alleles (0.00093%); highest among the groups gnomAD compares: East Asian, 0.016%; no homozygotes.

Submissions (2):

Women's Health and Genetics/Laboratory Corporation of America, LabCorp
Classification: Uncertain significance. Last evaluated: 2026-02-13. Review status: criteria provided, single submitter. Criteria: LabCorp Variant Classification Summary - May 2015. Collection method: clinical testing. Allele origin: germline.
Comment: Variant summary: TNXB c.9322G>A (p.Glu3108Lys) results in a conservative amino acid change in the encoded protein sequence. Algorithms developed to predict the effect of missense changes on protein structure and function all suggest that this variant is likely to be tolerated. The variant allele was found at a frequency of 4.1e-06 in 246380 control chromosomes. The available data on variant occurrences in the general population are insufficient to allow any conclusion about variant significance. To our knowledge, no occurrence of c.9322G>A in individuals affected with TNXB-related conditions and no experimental evidence demonstrating its impact on protein function have been reported. ClinVar contains an entry for this variant (Variation ID: 4615128). Based on the evidence outlined above, the variant was classified as uncertain significance.

Ambry Genetics
Classification: Uncertain significance for Cardiovascular phenotype. Last evaluated: 2025-12-07. Review status: criteria provided, single submitter. Criteria: Ambry Variant Classification Scheme 2023. Collection method: clinical testing. Allele origin: germline.
Comment: The p.E3108K variant (also known as c.9322G>A), located in coding exon 26 of the TNXB gene, results from a G to A substitution at nucleotide position 9322. The glutamic acid at codon 3108 is replaced by lysine, an amino acid with similar properties. This amino acid position is conserved. In addition, this alteration is predicted to be tolerated by in silico analysis. Based on the available evidence, the clinical significance of this variant remains unclear.

NM_001365276.2(TNXB):c.9328G>A (p.Glu3110Lys)

Gene: TNXB (tenascin XB; minus strand). Cytogenetic location: 6p21.33.
Variant type: single nucleotide variant.
Coding change: c.9328G>A on transcript NM_001365276.2 (MANE Select); coding-DNA position 9328, G replaced by A.
Protein change: p.Glu3110Lys; replaces glutamic acid 3110 with lysine.
Molecular consequence: missense variant.
Genome position (GRCh38, 1-based): chr6:32,050,109, C>T on the plus strand (G>A on the coding strand, the complement: TNXB is on the minus strand). VCF-style: chr6-32050109-C-T. GRCh37 (hg19) VCF-style: chr6-32017886-C-T.
Other names: c.10069G>A, p.Glu3357Lys (NM_001428335.1); c.9322G>A, p.Glu3108Lys (NM_019105.8); short protein forms E3108K, E3110K, E3357K.
Identifiers: ClinVar variation 4615128 (VCV004615128.2).